The following is an entry in ClinVar:

ClinVar aggregate classification (germline): Uncertain significance (1 of 4 stars; one submission).

Conditions:
Hereditary cancer-predisposing syndrome. Also called: Neoplastic Syndromes, Hereditary; Tumor predisposition; Hereditary neoplastic syndrome; Hereditary Cancer Syndrome. Identifiers: Orphanet 140162, MedGen C0027672, MeSH D009386, MONDO:0015356.
Cardiovascular phenotype. Identifiers: MedGen CN230736.

Submission:

Ambry Genetics
Classification: Uncertain significance for Cardiovascular phenotype; Hereditary cancer-predisposing syndrome. Last evaluated: 2024-02-10. Review status: criteria provided, single submitter. Criteria: Ambry Variant Classification Scheme 2023. Collection method: clinical testing. Allele origin: germline.
Comment: The p.W165C variant (also known as c.495G>C), located in coding exon 5 of the LZTR1 gene, results from a G to C substitution at nucleotide position 495. The tryptophan at codon 165 is replaced by cysteine, an amino acid with highly dissimilar properties. This amino acid position is conserved. In addition, this alteration is predicted to be deleterious by in silico analysis. Based on the available evidence, the clinical significance of this alteration remains unclear.

NM_006767.4(LZTR1):c.495G>C (p.Trp165Cys)

Gene: LZTR1 (leucine zipper like post translational regulator 1; plus strand). Cytogenetic location: 22q11.21.
Variant type: single nucleotide variant.
Coding change: c.495G>C on transcript NM_006767.4 (MANE Select); coding-DNA position 495, G replaced by C.
Protein change: p.Trp165Cys; replaces tryptophan 165 with cysteine.
Molecular consequence: missense variant.
Genome position (GRCh38, 1-based): chr22:20,988,104, G>C. VCF-style: chr22-20988104-G-C. GRCh37 (hg19) VCF-style: chr22-21342393-G-C.
Other names: short protein forms W165C.
Identifiers: ClinVar variation 3238299 (VCV003238299.1), dbSNP rs2147962064.